The following is an entry in ClinVar:

NC_000014.8:g.(?_105850747)_(105956197_?)del

Genes: CRIP1 (cysteine rich protein 1; plus strand), CRIP2 (cysteine rich protein 2; plus strand), MTA1 (metastasis associated 1; plus strand), PACS2 (phosphofurin acidic cluster sorting protein 2; plus strand), TEDC1 (tubulin epsilon and delta complex 1; plus strand) and 1 more. Cytogenetic location: 14q32.33.
Variant type: Deletion.
Identifiers: ClinVar variation 2423705 (VCV002423705.4).

ClinVar aggregate classification (germline): Uncertain significance (1 of 4 stars; one submission).

Submission:

Labcorp Genetics (formerly Invitae), Labcorp
Classification: Uncertain significance. Last evaluated: 2022-04-12. Review status: criteria provided, single submitter. Criteria: Invitae Variant Classification Sherloc (09022015). Collection method: clinical testing. Allele origin: germline.
Comment: This variant results in the deletion of exons 18-25 and part of exon 17 of the PACS2 gene. While this deletion is not anticipated to lead to nonsense mediated decay, it is expected to alter mRNA translation or result in a truncated protein product. This variant has not been reported in the literature in individuals affected with PACS2-related conditions. Experimental studies and prediction algorithms are not available or were not evaluated, and the functional significance of this variant is currently unknown. In summary, the available evidence is currently insufficient to determine the role of this variant in disease. Therefore, it has been classified as a Variant of Uncertain Significance.